The following is an entry in ClinVar:

ClinVar aggregate classification (germline): Uncertain significance (1 of 4 stars; one submission).

Allele frequency attached by ClinVar (database versions not stated): gnomAD 0.00002 and 0.00003; gnomAD exomes 0.00003 and 0.00005; ExAC 0.00007; 1000 Genomes Project 0.00020; 1000 Genomes Project 30x 0.00031.
gnomAD v4.1: 51 of 1,613,974 alleles (0.0032%); highest among the groups gnomAD compares: South Asian, 0.0099%; no homozygotes.

Submission:

Labcorp Genetics (formerly Invitae), Labcorp
Classification: Uncertain significance. Last evaluated: 2025-05-23. Review status: criteria provided, single submitter. Criteria: Invitae Variant Classification Sherloc (09022015). Collection method: clinical testing. Allele origin: germline.
Comment: This sequence change replaces arginine, which is basic and polar, with glutamine, which is neutral and polar, at codon 5305 of the HMCN1 protein (p.Arg5305Gln). This variant is present in population databases (rs566532561, gnomAD 0.02%). This variant has not been reported in the literature in individuals affected with HMCN1-related conditions. ClinVar contains an entry for this variant (Variation ID: 1358648). An algorithm developed to predict the effect of missense changes on protein structure and function (PolyPhen-2) suggests that this variant is likely to be disruptive. In summary, the available evidence is currently insufficient to determine the role of this variant in disease. Therefore, it has been classified as a Variant of Uncertain Significance.

NM_031935.3(HMCN1):c.15914G>A (p.Arg5305Gln)

Gene: HMCN1 (hemicentin 1; plus strand). Cytogenetic location: 1q31.1.
Variant type: single nucleotide variant.
Coding change: c.15914G>A on transcript NM_031935.3 (MANE Select); coding-DNA position 15914, G replaced by A.
Protein change: p.Arg5305Gln; replaces arginine 5305 with glutamine.
Molecular consequence: missense variant.
Genome position (GRCh38, 1-based): chr1:186,174,613, G>A. VCF-style: chr1-186174613-G-A. GRCh37 (hg19) VCF-style: chr1-186143745-G-A.
Other names: short protein forms R5305Q.
Identifiers: ClinVar variation 1358648 (VCV001358648.6), dbSNP rs566532561, ClinGen allele CA1295421.